The following is an entry in ClinVar:

ClinVar aggregate classification (germline): Conflicting classifications of pathogenicity. Review status: criteria provided, conflicting classifications (1 of 4 stars). 3 submissions from 3 submitters: Uncertain significance (2); Likely benign (1). Last evaluated 2026-01-21.

Conditions:
Progressive microcephaly-seizures-cortical blindness-developmental delay syndrome. Also called: Seizures, cortical blindness, and microcephaly syndrome. Identifiers: Orphanet 477814, MedGen C5567650, MONDO:0014714, OMIM 616632.
Autosomal dominant nonsyndromic hearing loss 1. Also called: DEAFNESS, AUTOSOMAL DOMINANT 1, WITH OR WITHOUT THROMBOCYTOPENIA; KONIGSMARK SYNDROME. Identifiers: Orphanet 90635, MedGen C1852282, MONDO:0007424, OMIM 124900.
Inborn genetic diseases. Identifiers: MedGen C0950123, MeSH D030342.

Allele frequency attached by ClinVar (database versions not stated): TOPMed 0.00004; ExAC 0.00008; gnomAD 0.00008.
gnomAD v4.1: 20 of 1,107,970 alleles (0.0018%); highest among the groups gnomAD compares: African/African-American, 0.032%; no homozygotes.

Submissions (3):

Labcorp Genetics (formerly Invitae), Labcorp
Classification: Uncertain significance for Progressive microcephaly-seizures-cortical blindness-developmental delay syndrome; Autosomal dominant nonsyndromic hearing loss 1. Last evaluated: 2026-01-21. Review status: criteria provided, single submitter. Criteria: Invitae Variant Classification Sherloc (09022015). Collection method: clinical testing. Allele origin: germline.
Comment: This sequence change replaces proline, which is neutral and non-polar, with serine, which is neutral and polar, at codon 618 of the DIAPH1 protein (p.Pro618Ser). The frequency data for this variant in the population databases is considered unreliable, as metrics indicate poor data quality at this position in the gnomAD database. This variant has not been reported in the literature in individuals affected with DIAPH1-related conditions. ClinVar contains an entry for this variant (Variation ID: 2923731). Experimental studies and prediction algorithms are not available or were not evaluated, and the functional significance of this variant is currently unknown. In summary, the available evidence is currently insufficient to determine the role of this variant in disease. Therefore, it has been classified as a Variant of Uncertain Significance.

Mayo Clinic Laboratories, Mayo Clinic
Classification: Likely benign. Last evaluated: 2025-05-14. Review status: criteria provided, single submitter. Criteria: ACMG Guidelines, 2015. Collection method: clinical testing. Allele origin: germline. Observed: 1 variant allele.
Comment: BS1, BP4_moderate

Ambry Genetics
Classification: Uncertain significance for Inborn genetic diseases. Last evaluated: 2023-12-08. Review status: criteria provided, single submitter. Criteria: Ambry Variant Classification Scheme 2023. Collection method: clinical testing. Allele origin: germline.

NM_005219.5(DIAPH1):c.1852C>T (p.Pro618Ser)

Gene: DIAPH1 (diaphanous related formin 1; minus strand). Cytogenetic location: 5q31.3.
Variant type: single nucleotide variant.
Coding change: c.1852C>T on transcript NM_005219.5 (MANE Select); coding-DNA position 1852, C replaced by T.
Protein change: p.Pro618Ser; replaces proline 618 with serine.
Molecular consequence: missense variant.
Genome position (GRCh38, 1-based): chr5:141,573,998, G>A on the plus strand (C>T on the coding strand, the complement: DIAPH1 is on the minus strand). VCF-style: chr5-141573998-G-A. GRCh37 (hg19) VCF-style: chr5-140953565-G-A.
Other names: p.Pro618Ser; c.1852C>T (NM_005219.4); c.1825C>T, p.Pro609Ser (NM_001079812.3); c.1852C>T, p.Pro618Ser (NM_001314007.2); short protein forms P609S, P618S.
Identifiers: ClinVar variation 2923731 (VCV002923731.5), dbSNP rs759820677, ClinGen allele CA3479203.